The following is an entry in ClinVar:

ClinVar aggregate classification (germline): Uncertain significance (1 of 4 stars; one submission).

gnomAD v4.1: 6 of 1,557,908 alleles (0.00039%); highest among the groups gnomAD compares: African/African-American, 0.0054%; no homozygotes.

Submission:

Ambry Genetics
Classification: Uncertain significance. Last evaluated: 2025-02-03. Review status: criteria provided, single submitter. Criteria: Ambry Variant Classification Scheme 2023. Collection method: clinical testing. Allele origin: germline.
Comment: The p.D1601Y variant (also known as c.4801G>T), located in coding exon 19 of the WNK2 gene, results from a G to T substitution at nucleotide position 4801. The aspartic acid at codon 1601 is replaced by tyrosine, an amino acid with highly dissimilar properties. This amino acid position is conserved. In addition, this alteration is predicted to be tolerated by in silico analysis. Based on the available evidence, the clinical significance of this variant remains unclear.

NM_006648.4(WNK2):c.4801G>T (p.Asp1601Tyr)

Gene: WNK2 (WNK lysine deficient protein kinase 2; plus strand). Cytogenetic location: 9q22.31.
Variant type: single nucleotide variant.
Coding change: c.4801G>T on transcript NM_006648.4 (MANE Select); coding-DNA position 4801, G replaced by T.
Protein change: p.Asp1601Tyr; replaces aspartic acid 1601 with tyrosine.
Molecular consequence: missense variant.
Genome position (GRCh38, 1-based): chr9:93,289,555, G>T. VCF-style: chr9-93289555-G-T. GRCh37 (hg19) VCF-style: chr9-96051837-G-T.
Other names: c.4912G>T, p.Asp1638Tyr (NM_001282394.3); short protein forms D1601Y, D1638Y.
Identifiers: ClinVar variation 3816989 (VCV003816989.1).
Genomic context (GRCh38, chr9:93,289,555, plus strand): 5'-AGAGACTTCACCCTGGAGCCCCTGAGAGGGGACCAGCCCCGCTCAGAGGTCTGCGGGGGG[G>T]ACCTGGCCCTGCCCCCAGTGCCTAAGGAGGCGGTCTCAGGGCGTGTCCAGCTGCCCCAGC-3'
Protein context (NP_006639.3, residues 1591-1611): DQPRSEVCGG[Asp1601Tyr]LALPPVPKEA